The following is an entry in ClinVar:

NM_001220.5(CAMK2B):c.328G>A (p.Glu110Lys)

Gene: CAMK2B (calcium/calmodulin dependent protein kinase II beta; minus strand). Cytogenetic location: 7p13.
Variant type: single nucleotide variant.
Coding change: c.328G>A on transcript NM_001220.5 (MANE Select); coding-DNA position 328, G replaced by A.
Protein change: p.Glu110Lys; replaces glutamic acid 110 with lysine.
Molecular consequence: missense variant.
Genome position (GRCh38, 1-based): chr7:44,254,555, C>T on the plus strand (G>A on the coding strand, the complement: CAMK2B is on the minus strand). VCF-style: chr7-44254555-C-T. GRCh37 (hg19) VCF-style: chr7-44294154-C-T.
Other names: c.328G>A, p.Glu110Lys (NM_001293170.2, NM_172078.3, NM_172079.3 and 5 more transcripts); c.328G>A (NM_001220.4); short protein forms E110K.
Identifiers: ClinVar variation 430921 (VCV000430921.5), dbSNP rs1554402092, ClinGen allele CA367370474.

ClinVar aggregate classification (germline): Pathogenic. Review status: criteria provided, multiple submitters, no conflicts (2 of 4 stars). 4 submissions from 4 submitters: Pathogenic (2). 2 of the submissions do not count toward it. Last evaluated 2022-09-08.

Conditions:
Intellectual disability. Also called: Intellectual functioning disability; Intellectual developmental disorder; intellectual disabilities. Identifiers: MedGen C3714756, MeSH D008607, MONDO:0001071, HP:0001249.
Intellectual developmental disorder, autosomal dominant 54. Also called: Intellectual disability, autosomal dominant 54; MENTAL RETARDATION, AUTOSOMAL DOMINANT 54. Identifiers: MedGen C4540484, MONDO:0030920, OMIM 617799.

Submissions (4):

GeneDx
Classification: Pathogenic. Last evaluated: 2022-09-08. Review status: criteria provided, single submitter. Criteria: GeneDx Variant Classification Process June 2021. Collection method: clinical testing. Allele origin: germline. Affected: yes.
Comment: Published functional studies demonstrate a damaging effect as in vitro assay showed E110K had reduced expression along with reduced pT286/287 phosphorylation (Kury et al., 2017); Not observed in large population cohorts (gnomAD); This variant is associated with the following publications: (PMID: 29100089, 35813072, 33774142, 35620293)

3billion
Classification: Pathogenic for Intellectual developmental disorder, autosomal dominant 54. Last evaluated: 2022-01-03. Review status: criteria provided, single submitter. Criteria: ACMG Guidelines, 2015. Collection method: clinical testing. Allele origin: germline. Affected: yes. Observed: 1 heterozygote.
Comment: The variant has been previously reported as de novo in a similarly affected individual (PMID: 29100089, , PS2_S). It is not observed in the gnomAD v2.1.1 dataset (PM2_M). The variant is located in a well-established functional domain or exonic hotspot, where pathogenic variants have frequently reported (PM1_M). In silico tool predictions suggest damaging effect of the variant on gene or gene product (3CNET: 0.996, PP3_P). A missense variant is a common mechanism associated with Mental retardation (PP2_P). Therefore, this variant is classified as pathogenic according to the recommendation of ACMG/AMP guideline.

OMIM
Classification: Pathogenic for INTELLECTUAL DEVELOPMENTAL DISORDER, AUTOSOMAL DOMINANT 54. Last evaluated: 2022-04-28. Review status: no assertion criteria provided. Collection method: literature only. Allele origin: germline. Not counted in ClinVar's aggregate classification.

Laboratory of Molecular Genetics (Pr. Bezieau's lab), CHU de Nantes
Classification: Pathogenic for Intellectual disability. Last evaluated: 2017-07-03. Review status: no assertion criteria provided. Collection method: research. Allele origin: de novo. Affected: yes. Observed: 1 variant allele. Not counted in ClinVar's aggregate classification.

Literature cited by the submitters: PubMed 29100089 (cited by 3 submitters).